The following is an entry in ClinVar:

ClinVar aggregate classification (germline): Uncertain significance (1 of 4 stars; one submission).

Conditions:
NOTCH1-related disorder. Also called: NOTCH1-related disorders; NOTCH1-related condition.

Submission:

PreventionGenetics, part of Exact Sciences
Classification: Uncertain significance for NOTCH1-related condition. Last evaluated: 2023-08-09. Review status: criteria provided, single submitter. Criteria: ACMG Guidelines, 2015. Collection method: clinical testing. Allele origin: germline.
Comment: The NOTCH1 c.1226G>A variant is predicted to result in the amino acid substitution p.Cys409Tyr. To our knowledge, this variant has not been reported in the literature or in a large population database, indicating this variant is rare. At this time, the clinical significance of this variant is uncertain due to the absence of conclusive functional and genetic evidence.

NM_017617.5(NOTCH1):c.1226G>A (p.Cys409Tyr)

Gene: NOTCH1 (notch receptor 1; minus strand). Cytogenetic location: 9q34.3.
Variant type: single nucleotide variant.
Coding change: c.1226G>A on transcript NM_017617.5 (MANE Select); coding-DNA position 1226, G replaced by A.
Protein change: p.Cys409Tyr; replaces cysteine 409 with tyrosine.
Molecular consequence: missense variant.
Genome position (GRCh38, 1-based): chr9:136,518,166, C>T on the plus strand (G>A on the coding strand, the complement: NOTCH1 is on the minus strand). VCF-style: chr9-136518166-C-T. GRCh37 (hg19) VCF-style: chr9-139412618-C-T.
Other names: short protein forms C409Y.
Identifiers: ClinVar variation 2631367 (VCV002631367.1), dbSNP rs2133369690, ClinGen allele CA375564466.